The following is an entry in ClinVar:

NM_197968.4(ZMYM2):c.3515A>G (p.Glu1172Gly)

Gene: ZMYM2 (zinc finger MYM-type containing 2; plus strand). Cytogenetic location: 13q12.11.
Variant type: single nucleotide variant.
Coding change: c.3515A>G on transcript NM_197968.4 (MANE Select); coding-DNA position 3515, A replaced by G.
Protein change: p.Glu1172Gly; replaces glutamic acid 1172 with glycine.
Molecular consequence: missense variant. On other transcripts: non-coding transcript variant (1).
Genome position (GRCh38, 1-based): chr13:20,082,077, A>G. VCF-style: chr13-20082077-A-G. GRCh37 (hg19) VCF-style: chr13-20656217-A-G.
Other names: c.3515A>G, p.Glu1172Gly (NM_001190964.4, NM_001190965.4, NM_001353157.2 and 4 more transcripts); c.3320A>G, p.Glu1107Gly (NM_001353161.3); c.3254A>G, p.Glu1085Gly (NM_001353163.2); short protein forms E1085G, E1107G, E1172G.
Identifiers: ClinVar variation 1697008 (VCV001697008.2), dbSNP rs2141041988, ClinGen allele CA387469221.
Genomic context (GRCh38, chr13:20,082,077, plus strand): 5'-ATTTGTGTGGAAGTAATCGAAAAGACAACATATTTATTGATCCTGGATACCAAACATTTG[A>G]GCAAGAATTGAATAAAATACTGCGAAGCTGGCAACCAAGCATACTTCCAGATGGTAATGC-3'
Protein context (NP_932072.1, residues 1162-1182): IFIDPGYQTF[Glu1172Gly]QELNKILRSW

ClinVar aggregate classification (germline): Uncertain significance (1 of 4 stars; one submission).

Submission:

GeneDx
Classification: Uncertain significance. Last evaluated: 2022-01-16. Review status: criteria provided, single submitter. Criteria: GeneDx Variant Classification Process June 2021. Collection method: clinical testing. Allele origin: germline. Affected: yes.
Comment: Not observed at significant frequency in large population cohorts (gnomAD); In silico analysis supports that this missense variant has a deleterious effect on protein structure/function; Has not been previously published as pathogenic or benign to our knowledge